The following is an entry in ClinVar:

ClinVar aggregate classification (germline): Uncertain significance (1 of 4 stars; one submission).

Submission:

Labcorp Genetics (formerly Invitae), Labcorp
Classification: Uncertain significance. Last evaluated: 2022-08-23. Review status: criteria provided, single submitter. Criteria: Invitae Variant Classification Sherloc (09022015). Collection method: clinical testing. Allele origin: germline.
Comment: In summary, the available evidence is currently insufficient to determine the role of this variant in disease. Therefore, it has been classified as a Variant of Uncertain Significance. Algorithms developed to predict the effect of missense changes on protein structure and function output the following: SIFT: "Tolerated"; PolyPhen-2: "Benign"; Align-GVGD: "Class C0". The lysine amino acid residue is found in multiple mammalian species, which suggests that this missense change does not adversely affect protein function. This variant has not been reported in the literature in individuals affected with ELOVL4-related conditions. This variant is not present in population databases (gnomAD no frequency). This sequence change replaces asparagine, which is neutral and polar, with lysine, which is basic and polar, at codon 103 of the ELOVL4 protein (p.Asn103Lys).

NM_022726.4(ELOVL4):c.309T>G (p.Asn103Lys)

Gene: ELOVL4 (ELOVL fatty acid elongase 4; minus strand). Cytogenetic location: 6q14.1.
Variant type: single nucleotide variant.
Coding change: c.309T>G on transcript NM_022726.4 (MANE Select); coding-DNA position 309, T replaced by G.
Protein change: p.Asn103Lys; replaces asparagine 103 with lysine.
Molecular consequence: missense variant.
Genome position (GRCh38, 1-based): chr6:79,925,012, A>C on the plus strand (T>G on the coding strand, the complement: ELOVL4 is on the minus strand). VCF-style: chr6-79925012-A-C. GRCh37 (hg19) VCF-style: chr6-80634729-A-C.
Other names: short protein forms N103K.
Identifiers: ClinVar variation 2101704 (VCV002101704.4), dbSNP rs776497004, ClinGen allele CA364657166.
Genomic context (GRCh38, chr6:79,925,012, plus strand): 5'-CCTGACTTCATGAACATTATTAGAATAATCCACACTCTGGCAAATATAGCTATATCCCGC[A>C]TTATATGATCCCATGAATAACTGGAAAAAGAGTAATAATATTTGTAGTAAAGTTTTAGTA-3'
Protein context (NP_073563.1, residues 93-113): IFRELFMGSY[Asn103Lys]AGYSYICQSV